The following is an entry in ClinVar:

NC_000001.10:g.(?_216164627)_(216166453_?)del

Gene: USH2A (usherin; minus strand). Cytogenetic location: 1q41.
Variant type: Deletion.
Identifiers: ClinVar variation 1457288 (VCV001457288.7).

ClinVar aggregate classification (germline): Pathogenic (1 of 4 stars; one submission).

Submission:

Labcorp Genetics (formerly Invitae), Labcorp
Classification: Pathogenic. Last evaluated: 2022-04-08. Review status: criteria provided, single submitter. Criteria: Invitae Variant Classification Sherloc (09022015). Collection method: clinical testing. Allele origin: germline.
Comment: This variant has not been reported in the literature in individuals affected with USH2A-related conditions. For these reasons, this variant has been classified as Pathogenic. This variant disrupts the p.Pro2241 amino acid residue in USH2A. Other variant(s) that disrupt this residue have been determined to be pathogenic (PMID: 26927203, 27318125, 27460420). This suggests that this residue is clinically significant, and that variants that disrupt this residue are likely to be disease-causing. This variant results in the deletion of part of exon 35 (c.6714_6805+1735del) of the USH2A gene. It is expected to disrupt RNA splicing. Variants that disrupt the donor or acceptor splice site typically lead to a loss of protein function (PMID: 16199547), and loss-of-function variants in USH2A are known to be pathogenic (PMID: 10729113, 10909849, 20507924, 25649381).

Literature cited by the submitters: PubMed 26927203; PubMed 27318125; PubMed 27460420; PubMed 16199547; PubMed 10729113; PubMed 10909849; PubMed 20507924; PubMed 25649381.